The following is an entry in ClinVar:

ClinVar aggregate classification (germline): Likely benign. Review status: criteria provided, multiple submitters, no conflicts (2 of 4 stars). 2 submissions from 2 submitters: Likely benign (2). Last evaluated 2025-07-01.

Conditions:
Wiskott-Aldrich syndrome 2 (WAS2). Also called: WIPF1 DEFICIENCY. Identifiers: Orphanet 906, MedGen C3281001, MONDO:0013779, OMIM 614493.

Allele frequency attached by ClinVar (database versions not stated): gnomAD 0.00001.
gnomAD v4.1: 1 of 1,612,210 alleles (0.000062%); no homozygotes.

Submissions (2):

CeGaT Center for Human Genetics Tuebingen
Classification: Likely benign. Last evaluated: 2025-07-01. Review status: criteria provided, single submitter. Criteria: CeGaT Center For Human Genetics Tuebingen Variant Classification Criteria Version 2. Collection method: clinical testing. Allele origin: germline. Affected: yes. Observed: 1 variant allele.
Comment: WIPF1: BP4, BP7

Labcorp Genetics (formerly Invitae), Labcorp
Classification: Likely benign for Wiskott-Aldrich syndrome 2. Last evaluated: 2024-12-16. Review status: criteria provided, single submitter. Criteria: Invitae Variant Classification Sherloc (09022015). Collection method: clinical testing. Allele origin: germline.

NM_001375834.1(WIPF1):c.927G>A (p.Pro309=)

Gene: WIPF1 (WAS/WASL interacting protein family member 1; minus strand). Cytogenetic location: 2q31.1.
Variant type: single nucleotide variant.
Coding change: c.927G>A on transcript NM_001375834.1 (MANE Select); coding-DNA position 927, G replaced by A.
Protein change: p.Pro309=; no amino-acid change (proline 309 retained).
Molecular consequence: synonymous variant.
Genome position (GRCh38, 1-based): chr2:174,571,878, C>T on the plus strand (G>A on the coding strand, the complement: WIPF1 is on the minus strand). VCF-style: chr2-174571878-C-T. GRCh37 (hg19) VCF-style: chr2-175436606-C-T.
Other names: c.927G>A, p.Pro309= (NM_001077269.1, NM_001375832.1, NM_001375833.1 and 5 more transcripts); c.549G>A, p.Pro183= (NM_001375839.1).
Identifiers: ClinVar variation 724225 (VCV000724225.13), dbSNP rs1472504717, ClinGen allele CA349341126.